The following is an entry in ClinVar:

NM_001939.3(DRP2):c.2710C>T (p.Arg904Trp)

Gene: DRP2 (dystrophin related protein 2; plus strand). Cytogenetic location: Xq22.1.
Variant type: single nucleotide variant.
Coding change: c.2710C>T on transcript NM_001939.3 (MANE Select); coding-DNA position 2710, C replaced by T.
Protein change: p.Arg904Trp; replaces arginine 904 with tryptophan.
Molecular consequence: missense variant.
Genome position (GRCh38, 1-based): chrX:101,260,130, C>T. VCF-style: chrX-101260130-C-T. GRCh37 (hg19) VCF-style: chrX-100515119-C-T.
Other names: c.2476C>T, p.Arg826Trp (NM_001171184.2); short protein forms R904W, R826W.
Identifiers: ClinVar variation 2973062 (VCV002973062.3), dbSNP rs1005927669, ClinGen allele CA333099577.

ClinVar aggregate classification (germline): Uncertain significance (1 of 4 stars; one submission).

Submission:

Labcorp Genetics (formerly Invitae), Labcorp
Classification: Uncertain significance. Last evaluated: 2025-09-20. Review status: criteria provided, single submitter. Criteria: Invitae Variant Classification Sherloc (09022015). Collection method: clinical testing. Allele origin: germline.
Comment: This sequence change replaces arginine, which is basic and polar, with tryptophan, which is neutral and slightly polar, at codon 904 of the DRP2 protein (p.Arg904Trp). This variant is not present in population databases (gnomAD no frequency). This variant has not been reported in the literature in individuals affected with DRP2-related conditions. ClinVar contains an entry for this variant (Variation ID: 2973062). An algorithm developed to predict the effect of missense changes on protein structure and function (PolyPhen-2) suggests that this variant is likely to be tolerated. In summary, the available evidence is currently insufficient to determine the role of this variant in disease. Therefore, it has been classified as a Variant of Uncertain Significance.